The following is an entry in ClinVar:

ClinVar aggregate classification (germline): Uncertain significance (1 of 4 stars; one submission).

Conditions:
Frasier syndrome. Identifiers: Orphanet 347, MedGen C0950122, MeSH D052159, MONDO:0007635, OMIM 136680.
Drash syndrome (DDS). Also called: NEPHROPATHY, WILMS TUMOR, AND GENITAL ANOMALIES; WILMS TUMOR AND PSEUDO- OR TRUE HERMAPHRODITISM. Identifiers: Orphanet 220, MedGen C0950121, MONDO:0008682, OMIM 194080.
Wilms tumor 1 (WT1). Also called: Wilms tumor, somatic. Identifiers: Orphanet 654, MedGen CN033288, MONDO:0008679, OMIM 194070.
11p partial monosomy syndrome (WAGR). Also called: WAGR Spectrum Disorder; CHROMOSOME 11p13 DELETION SYNDROME; WAGR syndrome; WAGR Complex. Identifiers: Orphanet 893, MedGen C0206115, MONDO:0008681, OMIM 194072.

Submission:

Labcorp Genetics (formerly Invitae), Labcorp
Classification: Uncertain significance for Wilms tumor 1; Drash syndrome; 11p partial monosomy syndrome; Frasier syndrome. Last evaluated: 2023-04-22. Review status: criteria provided, single submitter. Criteria: Invitae Variant Classification Sherloc (09022015). Collection method: clinical testing. Allele origin: germline.
Comment: In summary, the available evidence is currently insufficient to determine the role of this variant in disease. Therefore, it has been classified as a Variant of Uncertain Significance. Advanced modeling of protein sequence and biophysical properties (such as structural, functional, and spatial information, amino acid conservation, physicochemical variation, residue mobility, and thermodynamic stability) performed at Invitae indicates that this missense variant is not expected to disrupt WT1 protein function. This variant has not been reported in the literature in individuals affected with WT1-related conditions. This variant is not present in population databases (gnomAD no frequency). This sequence change replaces methionine, which is neutral and non-polar, with arginine, which is basic and polar, at codon 309 of the WT1 protein (p.Met309Arg).

NM_024426.6(WT1):c.941T>G (p.Met314Arg)

Gene: WT1 (WT1 transcription factor; minus strand). Cytogenetic location: 11p13.
Variant type: single nucleotide variant.
Coding change: c.941T>G on transcript NM_024426.6 (MANE Select); coding-DNA position 941, T replaced by G.
Protein change: p.Met314Arg; replaces methionine 314 with arginine.
Molecular consequence: missense variant. On other transcripts: non-coding transcript variant (2).
Genome position (GRCh38, 1-based): chr11:32,417,601, A>C on the plus strand (T>G on the coding strand, the complement: WT1 is on the minus strand). VCF-style: chr11-32417601-A-C. GRCh37 (hg19) VCF-style: chr11-32439147-A-C.
Other names: c.941T>G, p.Met314Arg (NM_000378.6, NM_001407044.1, NM_001407045.1 and 4 more transcripts); c.290T>G, p.Met97Arg (NM_001198551.2, NM_001198552.2); c.818T>G, p.Met273Arg (NM_001407047.1, NM_001407050.1); c.179T>G, p.Met60Arg (NM_001407051.1); c.926T>G, p.Met309Arg (NM_024425.2); short protein forms M309R, M97R, M273R, M314R, M60R.
Identifiers: ClinVar variation 2946974 (VCV002946974.3), dbSNP rs760219458, ClinGen allele CA379962080.